The following is an entry in ClinVar:

NM_006885.4(ZFHX3):c.9004_9008del (p.Lys3002fs)

Genes: ZFHX3 (zinc finger homeobox 3; minus strand), ZFHX3-AS1 (ZFHX3 antisense RNA 1; plus strand). Cytogenetic location: 16q22.2.
Variant type: Microsatellite.
Coding change: c.9004_9008del on transcript NM_006885.4 (MANE Select); coding-DNA positions 9004 to 9008, 5 bases deleted (AAGAA; older notation c.9004_9008delAAGAA).
Protein change: p.Lys3002fs; shifts the reading frame from lysine 3002.
Molecular consequence: frameshift variant.
Genome position (GRCh38, 1-based): chr16:72,793,674-72,793,678, TTCTT deleted on the plus strand (AAGAA on the coding strand, the reverse complement: ZFHX3 is on the minus strand); deleting any 5 consecutive bases within chr16:72,793,674-72,793,685 gives the same sequence; the c. name uses the placement nearest the transcript's 3' end. VCF-style (leftmost placement, unchanged base first): chr16-72793673-CTTCTT-C. GRCh37 (hg19) VCF-style: chr16-72827572-CTTCTT-C.
Other names: c.6262_6266del, p.Lys2088fs (NM_001164766.2); c.9004_9008del, p.Lys3002fs (NM_001386735.1); c.9004_9008del (NM_006885.3); short protein forms K2088fs, K3002fs.
Identifiers: ClinVar variation 4076340 (VCV004076340.2).
Genomic context (GRCh38, chr16:72,793,673, plus strand): 5'-TTTGGGTCCCTCATAACTCGTTTGGTTTATACCAAAATGCTTGGCCATGCTTAACTTGGA[CTTCTT>C]TTCTTTTGCCCGGGCATTCTGGAACCAGACCTGAACGACTCTCTTTGGCAGTCCAATGTC-3'

ClinVar aggregate classification (germline): Conflicting classifications of pathogenicity. Review status: criteria provided, conflicting classifications (1 of 4 stars). 2 submissions from 2 submitters: Pathogenic (1); Uncertain significance (1). Last evaluated 2025-06-25.

Conditions:
Familial prostate cancer. Also called: Hereditary Prostate Cancer. Identifiers: MedGen C2931456, MONDO:0700275, OMIM 176807.

Submissions (2):

GeneDx
Classification: Pathogenic. Last evaluated: 2025-06-25. Review status: criteria provided, single submitter. Criteria: GeneDx Variant Classification Process June 2021. Collection method: clinical testing. Allele origin: germline. Affected: yes.
Comment: Frameshift variant predicted to result in protein truncation or nonsense mediated decay in a gene for which loss of function is a known mechanism of disease; Not observed at significant frequency in large population cohorts (gnomAD); Has not been previously published as pathogenic or benign to our knowledge

Laboratorio de Genetica e Diagnostico Molecular, Hospital Israelita Albert Einstein
Classification: Uncertain significance for Familial prostate cancer. Last evaluated: 2024-10-25. Review status: criteria provided, single submitter. Criteria: ACMG Guidelines, 2015. Collection method: clinical testing. Allele origin: germline. Affected: yes.
Comment: ACMG classification criteria: PVS1 moderate, PM2 supporting